The following is an entry in ClinVar:

NM_017763.6(RNF43):c.2023C>T (p.His675Tyr)

Gene: RNF43 (ring finger protein 43; minus strand). Cytogenetic location: 17q22.
Variant type: single nucleotide variant.
Coding change: c.2023C>T on transcript NM_017763.6 (MANE Select); coding-DNA position 2023, C replaced by T.
Protein change: p.His675Tyr; replaces histidine 675 with tyrosine.
Molecular consequence: missense variant.
Genome position (GRCh38, 1-based): chr17:58,357,753, G>A on the plus strand (C>T on the coding strand, the complement: RNF43 is on the minus strand). VCF-style: chr17-58357753-G-A. GRCh37 (hg19) VCF-style: chr17-56435114-G-A.
Other names: c.2023C>T, p.His675Tyr (NM_001305544.3); c.1642C>T, p.His548Tyr (NM_001305545.2); short protein forms H675Y, H548Y.
Identifiers: ClinVar variation 3789948 (VCV003789948.1).

ClinVar aggregate classification (germline): Uncertain significance (1 of 4 stars; one submission).

Submission:

Ambry Genetics
Classification: Uncertain significance. Last evaluated: 2025-02-17. Review status: criteria provided, single submitter. Criteria: Ambry Variant Classification Scheme 2023. Collection method: clinical testing. Allele origin: germline.
Comment: The p.H675Y variant (also known as c.2023C>T), located in coding exon 8 of the RNF43 gene, results from a C to T substitution at nucleotide position 2023. The histidine at codon 675 is replaced by tyrosine, an amino acid with similar properties. This amino acid position is conserved. In addition, this alteration is predicted to be tolerated by in silico analysis. Based on the available evidence, the clinical significance of this variant remains unclear.